The following is an entry in ClinVar:

ClinVar aggregate classification (germline): Uncertain significance. Review status: criteria provided, multiple submitters, no conflicts (2 of 4 stars). 3 submissions from 3 submitters: Uncertain significance (3). Last evaluated 2024-08-13.

Conditions:
Hereditary nonpolyposis colorectal neoplasms. Identifiers: MedGen C0009405, MeSH D003123.
Hereditary cancer-predisposing syndrome. Also called: Tumor predisposition; Hereditary Cancer Syndrome; Neoplastic Syndromes, Hereditary; Hereditary neoplastic syndrome. Identifiers: Orphanet 140162, MedGen C0027672, MeSH D009386, MONDO:0015356.

Submissions (3):

Labcorp Genetics (formerly Invitae), Labcorp
Classification: Uncertain significance for Hereditary nonpolyposis colorectal neoplasms. Last evaluated: 2024-08-13. Review status: criteria provided, single submitter. Criteria: Invitae Variant Classification Sherloc (09022015). Collection method: clinical testing. Allele origin: germline.
Comment: This sequence change replaces alanine, which is neutral and non-polar, with threonine, which is neutral and polar, at codon 1050 of the MSH6 protein (p.Ala1050Thr). This variant is not present in population databases (gnomAD no frequency). This variant has not been reported in the literature in individuals affected with MSH6-related conditions. ClinVar contains an entry for this variant (Variation ID: 822993). Advanced modeling of protein sequence and biophysical properties (such as structural, functional, and spatial information, amino acid conservation, physicochemical variation, residue mobility, and thermodynamic stability) performed at Invitae indicates that this missense variant is not expected to disrupt MSH6 protein function with a negative predictive value of 95%. In summary, the available evidence is currently insufficient to determine the role of this variant in disease. Therefore, it has been classified as a Variant of Uncertain Significance.

Ambry Genetics
Classification: Uncertain significance for Hereditary cancer-predisposing syndrome. Last evaluated: 2023-11-13. Review status: criteria provided, single submitter. Criteria: Ambry Variant Classification Scheme 2023. Collection method: clinical testing. Allele origin: germline.
Comment: The p.A1050T variant (also known as c.3148G>A), located in coding exon 4 of the MSH6 gene, results from a G to A substitution at nucleotide position 3148. The alanine at codon 1050 is replaced by threonine, an amino acid with similar properties. This amino acid position is highly conserved in available vertebrate species. In addition, this alteration is predicted to be deleterious by in silico analysis. Since supporting evidence is limited at this time, the clinical significance of this alteration remains unclear.

Color Diagnostics, LLC DBA Color Health
Classification: Uncertain significance for Hereditary cancer-predisposing syndrome. Last evaluated: 2021-10-05. Review status: criteria provided, single submitter. Criteria: ACMG Guidelines, 2015. Collection method: clinical testing. Allele origin: germline.
Comment: This missense variant replaces alanine with threonine at codon 1050 of the MSH6 protein. Computational prediction suggests that this variant may have deleterious impact on protein structure and function (internally defined REVEL score threshold >= 0.7, PMID: 27666373). To our knowledge, functional studies have not been reported for this variant. This variant has not been reported in individuals affected with hereditary cancer in the literature. This variant has not been identified in the general population by the Genome Aggregation Database (gnomAD). The available evidence is insufficient to determine the role of this variant in disease conclusively. Therefore, this variant is classified as a Variant of Uncertain Significance.

NM_000179.3(MSH6):c.3148G>A (p.Ala1050Thr)

Gene: MSH6 (mutS homolog 6; plus strand). Cytogenetic location: 2p16.3.
Variant type: single nucleotide variant.
Coding change: c.3148G>A on transcript NM_000179.3 (MANE Select); coding-DNA position 3148, G replaced by A.
Protein change: p.Ala1050Thr; replaces alanine 1050 with threonine.
Molecular consequence: missense variant.
Genome position (GRCh38, 1-based): chr2:47,801,131, G>A. VCF-style: chr2-47801131-G-A. GRCh37 (hg19) VCF-style: chr2-48028270-G-A.
Other names: c.2758G>A, p.Ala920Thr (NM_001281492.2); c.2242G>A, p.Ala748Thr (NM_001281493.2, NM_001281494.2); short protein forms A920T, A1050T, A748T.
Identifiers: ClinVar variation 822993 (VCV000822993.9), dbSNP rs1572730375, ClinGen allele CA346756706.